The following is an entry in ClinVar:

NM_014516.4(CNOT3):c.388-1G>C

Gene: CNOT3 (CCR4-NOT transcription complex subunit 3; plus strand). Cytogenetic location: 19q13.42.
Variant type: single nucleotide variant.
Coding change: c.388-1G>C on transcript NM_014516.4 (MANE Select); the canonical splice acceptor site of the intron before coding-DNA position 388, G replaced by C.
Molecular consequence: splice acceptor variant.
Genome position (GRCh38, 1-based): chr19:54,144,236, G>C. VCF-style: chr19-54144236-G-C. GRCh37 (hg19) VCF-style: chr19-54647972-G-C.
Other names: c.388-1G>C (NM_001440662.1, NM_001440653.1, NM_001440661.1 and 7 more transcripts); c.-212-1G>C (NM_001440659.1, NM_001440660.1).
Identifiers: ClinVar variation 4538250 (VCV004538250.1).

ClinVar aggregate classification (germline): Pathogenic (1 of 4 stars; one submission).

Conditions:
Intellectual developmental disorder with speech delay, autism, and dysmorphic facies. Identifiers: MedGen C5231456, MONDO:0032864, OMIM 618672.

Submission:

Greenwood Genetic Center Diagnostic Laboratories, Greenwood Genetic Center
Classification: Pathogenic for Intellectual developmental disorder with speech delay, autism, and dysmorphic facies. Last evaluated: 2025-05-23. Review status: criteria provided, single submitter. Criteria: ACMG Guidelines, 2015. Collection method: clinical testing. Allele origin: germline. Affected: yes.
Comment: PP3_Strong, PS2, PM2